The following is an entry in ClinVar:

NM_000238.4(KCNH2):c.*6C>T

Gene: KCNH2 (potassium voltage-gated channel subfamily H member 2; minus strand). Cytogenetic location: 7q36.1.
Variant type: single nucleotide variant.
Coding change: c.*6C>T on transcript NM_000238.4 (MANE Select); 6 bases downstream of the stop codon, C replaced by T.
Molecular consequence: 3 prime UTR variant. On other transcripts: non-coding transcript variant (2).
Genome position (GRCh38, 1-based): chr7:150,945,359, G>A on the plus strand (C>T on the coding strand, the complement: KCNH2 is on the minus strand). VCF-style: chr7-150945359-G-A. GRCh37 (hg19) VCF-style: chr7-150642447-G-A.
Other names: c.*6C>T (NM_001406753.1, NM_172057.3).
Identifiers: ClinVar variation 3070534 (VCV003070534.2), dbSNP rs1348962192, ClinGen allele CA578700782.

ClinVar aggregate classification (germline): Uncertain significance (1 of 4 stars; one submission).

Conditions:
Long QT syndrome (LQTS). Identifiers: MedGen C0023976, MeSH D008133, MONDO:0002442. Disease mechanism: loss of function. Inheritance: Various modes of inheritance.

Allele frequency attached by ClinVar (database versions not stated): TOPMed below 0.00001.

Submission:

All of Us Research Program, National Institutes of Health
Classification: Uncertain significance for Long QT syndrome. Last evaluated: 2024-07-29. Review status: criteria provided, single submitter. Criteria: ACMG Guidelines, 2015. Collection method: clinical testing. Allele origin: germline. Inheritance: Autosomal dominant inheritance. Observed: 3 variant alleles, 3 heterozygotes.
Comment: This variant causes a single nucleotide substitution in the 3' untranslated region of the KCNH2 gene. To our knowledge, functional studies have not been reported for this variant. This variant has not been reported in individuals affected with KCNH2-related disorders in the literature. This variant has been identified in 1/201560 chromosomes in the general population by the Genome Aggregation Database (gnomAD). The available evidence is insufficient to determine the role of this variant in disease conclusively. Therefore, this variant is classified as a Variant of Uncertain Significance.

This study involves interpretation of variants in research participants for the purpose of population health screening. Participant phenotype was not available at the time of variant classification. Additional details can be found in publication PMID: 35346344, PMCID: PMC8962531